The following is an entry in ClinVar:

ClinVar aggregate classification (germline): Likely pathogenic (1 of 4 stars; one submission).

Conditions:
Achondrogenesis, type IB (ACG1B). Also called: Achondrogenesis Type 1B. Identifiers: Orphanet 932, Orphanet 93298, MedGen C0265274, MONDO:0010966, OMIM 600972.
Diastrophic dysplasia (DTD). Also called: Diastrophic dwarfism. Identifiers: Orphanet 628, MedGen C0220726, MONDO:0009107, OMIM 222600.
Multiple epiphyseal dysplasia type 4 (EDM4). Also called: SLC26A2-Related Multiple Epiphyseal Dysplasia; Multiple Epiphyseal Dysplasia, Recessive; MULTIPLE EPIPHYSEAL DYSPLASIA WITH BILAYERED PATELLAE; MULTIPLE EPIPHYSEAL DYSPLASIA WITH CLUBFOOT; MULTIPLE EPIPHYSEAL DYSPLASIA, AUTOSOMAL RECESSIVE. Identifiers: Orphanet 93307, MedGen C1847593, MONDO:0009189, OMIM 226900.
Atelosteogenesis type II (AO2). Also called: NEONATAL OSSEOUS DYSPLASIA I; Neonatal osseous dysplasia 1; SLC26A2-Related Atelosteogenesis. Identifiers: Orphanet 56304, MedGen C1850554, MONDO:0009727, OMIM 256050.

Submission:

Labcorp Genetics (formerly Invitae), Labcorp
Classification: Likely pathogenic for Atelosteogenesis type II; Multiple epiphyseal dysplasia type 4; Achondrogenesis, type IB; Diastrophic dysplasia. Last evaluated: 2021-11-14. Review status: criteria provided, single submitter. Criteria: Invitae Variant Classification Sherloc (09022015). Collection method: clinical testing. Allele origin: germline.
Comment: This sequence change replaces isoleucine, which is neutral and non-polar, with threonine, which is neutral and polar, at codon 426 of the SLC26A2 protein (p.Ile426Thr). In summary, the currently available evidence indicates that the variant is pathogenic, but additional data are needed to prove that conclusively. Therefore, this variant has been classified as Likely Pathogenic. This variant disrupts the p.Ile426 amino acid residue in SLC26A2. Other variant(s) that disrupt this residue have been determined to be pathogenic (Invitae). This suggests that this residue is clinically significant, and that variants that disrupt this residue are likely to be disease-causing. Advanced modeling of protein sequence and biophysical properties (such as structural, functional, and spatial information, amino acid conservation, physicochemical variation, residue mobility, and thermodynamic stability) performed at Invitae indicates that this missense variant is expected to disrupt SLC26A2 protein function. This variant has not been reported in the literature in individuals affected with SLC26A2-related conditions. This variant is not present in population databases (gnomAD no frequency).

NM_000112.4(SLC26A2):c.1277T>C (p.Ile426Thr)

Gene: SLC26A2 (solute carrier family 26 member 2; plus strand). Cytogenetic location: 5q32.
Variant type: single nucleotide variant.
Coding change: c.1277T>C on transcript NM_000112.4 (MANE Select); coding-DNA position 1277, T replaced by C.
Protein change: p.Ile426Thr; replaces isoleucine 426 with threonine.
Molecular consequence: missense variant.
Genome position (GRCh38, 1-based): chr5:149,980,870, T>C. VCF-style: chr5-149980870-T-C. GRCh37 (hg19) VCF-style: chr5-149360433-T-C.
Other names: short protein forms I426T.
Identifiers: ClinVar variation 1474865 (VCV001474865.5), dbSNP rs2113698521, ClinGen allele CA361707535.